The following is an entry in ClinVar:

NM_001001331.4(ATP2B2):c.3137T>C (p.Ile1046Thr)

Gene: ATP2B2 (ATPase plasma membrane Ca2+ transporting 2; minus strand). Cytogenetic location: 3p25.3.
Variant type: single nucleotide variant.
Coding change: c.3137T>C on transcript NM_001001331.4 (MANE Select); coding-DNA position 3137, T replaced by C.
Protein change: p.Ile1046Thr; replaces isoleucine 1046 with threonine.
Molecular consequence: missense variant.
Genome position (GRCh38, 1-based): chr3:10,340,342, A>G on the plus strand (T>C on the coding strand, the complement: ATP2B2 is on the minus strand). VCF-style: chr3-10340342-A-G. GRCh37 (hg19) VCF-style: chr3-10382026-A-G.
Other names: c.3002T>C, p.Ile1001Thr (NM_001330611.3, NM_001353564.1, NM_001363862.1 and 1 more transcripts); short protein forms I1001T, I1046T.
Identifiers: ClinVar variation 3359680 (VCV003359680.1).

ClinVar aggregate classification (germline): Uncertain significance (1 of 4 stars; one submission).

Submission:

GeneDx
Classification: Uncertain significance. Last evaluated: 2023-06-12. Review status: criteria provided, single submitter. Criteria: GeneDx Variant Classification Process June 2021. Collection method: clinical testing. Allele origin: germline. Affected: yes.
Comment: Not observed at significant frequency in large population cohorts (gnomAD); In silico analysis supports that this missense variant has a deleterious effect on protein structure/function; Has not been previously published as pathogenic or benign to our knowledge